The following is an entry in ClinVar:

ClinVar aggregate classification (germline): Uncertain significance (1 of 4 stars; one submission).

Conditions:
Atrial fibrillation, familial, 7 (ATFB7). Identifiers: MedGen C2677106, MONDO:0012828, OMIM 612240.

Submission:

Labcorp Genetics (formerly Invitae), Labcorp
Classification: Uncertain significance for Atrial fibrillation, familial, 7. Last evaluated: 2023-12-21. Review status: criteria provided, single submitter. Criteria: Invitae Variant Classification Sherloc (09022015). Collection method: clinical testing. Allele origin: germline.
Comment: This sequence change affects codon 293 of the KCNA5 mRNA. It is a 'silent' change, meaning that it does not change the encoded amino acid sequence of the KCNA5 protein. This variant is not present in population databases (gnomAD no frequency). This variant has not been reported in the literature in individuals affected with KCNA5-related conditions. In summary, the available evidence is currently insufficient to determine the role of this variant in disease. Therefore, it has been classified as a Variant of Uncertain Significance.

NM_002234.4(KCNA5):c.879G>T (p.Ala293=)

Gene: KCNA5 (potassium voltage-gated channel subfamily A member 5; plus strand). Cytogenetic location: 12p13.32.
Variant type: single nucleotide variant.
Coding change: c.879G>T on transcript NM_002234.4 (MANE Select); coding-DNA position 879, G replaced by T.
Protein change: p.Ala293=; no amino-acid change (alanine 293 retained).
Molecular consequence: synonymous variant.
Genome position (GRCh38, 1-based): chr12:5,045,026, G>T. VCF-style: chr12-5045026-G-T. GRCh37 (hg19) VCF-style: chr12-5154192-G-T.
Identifiers: ClinVar variation 2704629 (VCV002704629.3), dbSNP rs1187758609, ClinGen allele CA478095269.
Genomic context (GRCh38, chr12:5,045,026, plus strand): 5'-TGAGTTCAGGGATGAACGTGAGCTGCTCCGCCACCCTCCGGCGCCCCACCAGCCTCCCGC[G>T]CCCGCCCCTGGGGCCAACGGCAGCGGGGTCATGGCCCCGCCCTCTGGCCCTACGGTGGCA-3'
Protein context (NP_002225.2, residues 283-303): RHPPAPHQPP[Ala293=]PAPGANGSGV